The following is an entry in ClinVar:

ClinVar aggregate classification (germline): Uncertain significance. Review status: reviewed by expert panel (3 of 4 stars). 7 submissions from 7 submitters: Uncertain significance (1). 6 of the submissions do not count toward it. Last evaluated 2026-08-04.

Conditions:
Glycogen storage disease, type II (IOPD). Also called: CARDIOMEGALIA GLYCOGENICA DIFFUSA; GLYCOGENOSIS, GENERALIZED, CARDIAC FORM; GSD II; Glucosidase acid-1,4-alpha deficiency; Pompe Disease; Acid maltase deficiency disease. Identifiers: Orphanet 365, MedGen C0017921, MONDO:0009290, OMIM 232300.

Allele frequency attached by ClinVar (database versions not stated): 1000 Genomes Project 30x 0.00016; gnomAD exomes 0.00002; 1000 Genomes Project 0.00020; ExAC 0.00002; gnomAD 0.00004; TOPMed 0.00004.

Submissions (7):

ClinGen Lysosomal Storage Disorder Variant Curation Expert Panel
Classification: Uncertain significance for Glycogen storage disease, type II. Last evaluated: 2026-08-04. Review status: reviewed by expert panel. Criteria: clingen_lsd_acmg_specifications_v2-1. Collection method: curation. Allele origin: germline. Inheritance: Autosomal recessive inheritance.
Comment: The NM_000152.5:c.781G>A variant in GAA is a missense variant predicted to cause substitution of Ala by Thr at amino acid 261 (p.Ala261Thr). One patient with infantile-onset Pompe disease who was homozygous for this variant has been reported;, the parents were confirmed to be heterozygous (PMID 31510962) (PM3_Supporting). The patient's symptoms included dyspnea, poor feeding, failure to thrive, delayed motor milestone, short PR interval, biventricular hypertrophy, and severe intellectual disability. GAA activity was 0.43% of normal (PMID 31510962)(PP4_Moderate). The highest population minor allele frequency in gnomAD v4.1.0. is 0.00006665 (5/75024 alleles) in the African / African American population, which is lower than the ClinGen LD VCEP’s threshold for PM2_Supporting (<0.001), meeting this criterion (PM2_Supporting). When expressed in COS cells, the variant results in reduced GAA activity (66% in cell extract and 5% in culture medium comparing to wildtype) and is classified as class D for the severity rating (PMID 31510962). Given the difference in the GAA activity in the cells and medium, neiter PS3 nor BS3 was applied. The computational predictor REVEL gives a score of 0.584 which is neither above nor below the thresholds predicting a damaging (>0.7) or benign (<0.5) impact on GAA function. The computational splicing predictor SpliceAI predicts no impact on splicing. Two different missense variants, c.781G>C (p.Ala261Pro) and c.782C>T (p.Ala261Val) in the same codon have been reported in patients with Pompe disease. However, these variants have not yet met the criteria to be classified as pathogenic or likely pathogenic by the ClinGen LSD VCEP (PM5 not met). There is a ClinVar entry for this variant (Variation ID: 456438). In summary, this variant meets the criteria to be classified as Uncertain significance for Pompe disease based on the GAA-specific ACMG/AMP criteria applied, as specified by the ClinGen Lysosomal Storage Disorders Variant Curation Expert Panel (Specification Version 2.0): PM2_supporting, PM3_supporting, PP4_Moderate, BS3_supporting. (Classification approved by the ClinGen Lysosomal Diseases Variant Curation Expert Panel on August 4, 2026).

Genomenon, Inc
Classification: Uncertain significance for Glycogen storage disease, type II. Last evaluated: 2026-07-01. Review status: criteria provided, single submitter. Criteria: Genomenon Sequence Variant Interpretation Standards - Updated. Collection method: curation. Allele origin: germline. Affected: yes. Not counted in ClinVar's aggregate classification.
Comment: GAA p.Ala261Thr (c.781G>A) is a missense variant that changes the amino acid at codon 261 from Alanine to Threonine. This variant has been observed in at least one proband with a GAA-related disorder in the compound heterozygous and/or homozygous state (PMID:31510962). Well-established functional studies show no damaging effect of this variant on protein function, supporting a benign classification (PMID:31510962). It is absent or not present at a significant frequency in gnomAD. In conclusion, we classify GAA p.Ala261Thr (c.781G>A) as a variant of uncertain significance.

Labcorp Genetics (formerly Invitae), Labcorp
Classification: Likely pathogenic for Glycogen storage disease, type II. Last evaluated: 2026-01-09. Review status: criteria provided, single submitter. Criteria: Invitae Variant Classification Sherloc (09022015). Collection method: clinical testing. Allele origin: germline. Not counted in ClinVar's aggregate classification.
Comment: This sequence change replaces alanine, which is neutral and non-polar, with threonine, which is neutral and polar, at codon 261 of the GAA protein (p.Ala261Thr). This variant is present in population databases (rs543360994, gnomAD 0.01%). This missense change has been observed in individual(s) with Pompe disease (PMID: 31510962). ClinVar contains an entry for this variant (Variation ID: 456438). Invitae Evidence Modeling of protein sequence and biophysical properties (such as structural, functional, and spatial information, amino acid conservation, physicochemical variation, residue mobility, and thermodynamic stability) has been performed for this missense variant. However, the output from this modeling did not meet the statistical confidence thresholds required to predict the impact of this variant on GAA protein function. Experimental studies have shown that this missense change affects GAA function (PMID: 31510962). In summary, the currently available evidence indicates that the variant is pathogenic, but additional data are needed to prove that conclusively. Therefore, this variant has been classified as Likely Pathogenic.

Women's Health and Genetics/Laboratory Corporation of America, LabCorp
Classification: Uncertain significance. Last evaluated: 2025-05-30. Review status: criteria provided, single submitter. Criteria: LabCorp Variant Classification Summary - May 2015. Collection method: clinical testing. Allele origin: germline. Not counted in ClinVar's aggregate classification.
Comment: Variant summary: GAA c.781G>A (p.Ala261Thr) results in a non-conservative amino acid change located in the Glycoside hydrolase family 31, N-terminal domain (IPR025887) of the encoded protein sequence. Algorithms developed to predict the effect of missense changes on protein structure and function all suggest that this variant is likely to be disruptive. The variant allele was found at a frequency of 2e-05 in 251028 control chromosomes. c.781G>A has been observed in individual(s) affected with Glycogen Storage Disease, Type 2 (Pompe Disease) (Ngiwsara_2019). These data indicate that the variant may be associated with disease. The following publications have been ascertained in the context of this evaluation (PMID: 16865695, 31510962). ClinVar contains an entry for this variant (Variation ID: 456438). Based on the evidence outlined above, the variant was classified as VUS-possibly pathogenic.

Revvity Omics, Revvity
Classification: Uncertain significance. Last evaluated: 2024-02-26. Review status: criteria provided, single submitter. Criteria: ACMG Guidelines, 2015. Collection method: clinical testing. Allele origin: germline. Not counted in ClinVar's aggregate classification.

Fulgent Genetics
Classification: Uncertain significance for Glycogen storage disease, type II. Last evaluated: 2021-11-24. Review status: criteria provided, single submitter. Criteria: ACMG Guidelines, 2015. Collection method: clinical testing. Allele origin: unknown. Not counted in ClinVar's aggregate classification.

Department of Pediatrics, Division of Medical Genetics, Faculty of Medicine Ramathibodi Hospital, Mahidol University
Classification: Pathogenic for Glycogen storage disease, type II. Last evaluated: 2019-07-10. Review status: no assertion criteria provided. Collection method: research, in vitro. Allele origin: germline, not applicable. Inheritance: Autosomal recessive inheritance. Affected: yes. Observed: 1 homozygote. Not counted in ClinVar's aggregate classification.
Comment: The c.781G>A (p.A261T) is present in population database (rs543360994, ExAC 0.00002%). This variant has not been reported in the literature in individuals with GAA-related disease. ClinVar contains an entry for this variant (Variation ID: 456438). It was reported to have uncertain impact on protein function and there is no indication that it causes disease. Algorithms developed to predict the effect of missense changes on protein structure and function (SIFT, Polyphen-2, PredictSNP2, CADD, DANN, FATHMM, and FunSeq2) all suggest that this variant is damaging/deleterious. Our study provided evident supported the impact of amino acid substitution at this position on GAA function. In vitro expression analysis of c.781G>A (p.A261T) indicates that this variant yielded partial reduction of enzyme activity and impaired GAA processing and transportation. We interpret c.781G>A (p.A261T) as a pathogenic variant.

Literature cited by the submitters: PubMed 31510962 (cited by 4 submitters); PubMed 16865695 (cited by Women's Health and Genetics/Laboratory Corporation of America, LabCorp).

NM_000152.5(GAA):c.781G>A (p.Ala261Thr)

Gene: GAA (alpha glucosidase; plus strand). Cytogenetic location: 17q25.3.
Variant type: single nucleotide variant.
Coding change: c.781G>A on transcript NM_000152.5 (MANE Select); coding-DNA position 781, G replaced by A.
Protein change: p.Ala261Thr; replaces alanine 261 with threonine.
Molecular consequence: missense variant.
Genome position (GRCh38, 1-based): chr17:80,107,645, G>A. VCF-style: chr17-80107645-G-A. GRCh37 (hg19) VCF-style: chr17-78081444-G-A.
Other names: NM_000152.5(GAA):c.781G>A; p.Ala261Thr; c.781G>A (LRG_673t1); c.781G>A, p.Ala261Thr (NM_001079803.3, NM_001079804.3); short protein forms A261T.
Identifiers: ClinVar variation 456438 (VCV000456438.22), dbSNP rs543360994, ClinGen allele CA8815016.